The following is an entry in ClinVar:

ClinVar aggregate classification (germline): Uncertain significance (1 of 4 stars; one submission).

Submission:

Labcorp Genetics (formerly Invitae), Labcorp
Classification: Uncertain significance. Last evaluated: 2024-09-17. Review status: criteria provided, single submitter. Criteria: Invitae Variant Classification Sherloc (09022015). Collection method: clinical testing. Allele origin: germline.
Comment: This variant, c.607_615dup, results in the insertion of 3 amino acid(s) of the HOXA13 protein (p.Ala203_Ala205dup), but otherwise preserves the integrity of the reading frame. This variant is present in population databases (rs750672289, gnomAD 0.02%). This variant has not been reported in the literature in individuals affected with HOXA13-related conditions. In summary, the available evidence is currently insufficient to determine the role of this variant in disease. Therefore, it has been classified as a Variant of Uncertain Significance.

NM_000522.5(HOXA13):c.598GCC[9] (p.Ala205_Phe206insAlaAlaAla)

Genes: HOXA13 (homeobox A13; minus strand), LOC107126288 (NUP98-HOXA13 recombination region; plus strand). Cytogenetic location: 7p15.2.
Variant type: Microsatellite.
Coding change: c.598GCC[9] on transcript NM_000522.5 (MANE Select); nine copies in a row of the 3-base unit GCC starting at c.598; the reference has six copies in a row; three copies, 9 bases duplicated.
Protein change: p.Ala205_Phe206insAlaAlaAla.
Genome position (GRCh38, 1-based): chr7:27,199,463-27,199,471, GGCGGCGGC duplicated on the plus strand (GCCGCCGCC on the coding strand, the reverse complement: HOXA13 is on the minus strand); duplicating any 9 consecutive bases within chr7:27,199,463-27,199,480 gives the same sequence; the position shown is the placement nearest the transcript's 3' end. VCF-style (leftmost placement, unchanged base first): chr7-27199462-A-AGGCGGCGGC. GRCh37 (hg19) VCF-style: chr7-27239081-A-AGGCGGCGGC.
Identifiers: ClinVar variation 3709271 (VCV003709271.2).